The following is an entry in ClinVar:

ClinVar aggregate classification (germline): Uncertain significance (1 of 4 stars; one submission).

Conditions:
Larsen-like syndrome, B3GAT3 type. Also called: MULTIPLE JOINT DISLOCATIONS, SHORT STATURE, AND CRANIOFACIAL DYSMORPHISM WITH OR WITHOUT CONGENITAL HEART DEFECTS; Multiple joint dislocations, short stature, craniofacial dysmorphism, with or without congenital heart defects. Identifiers: Orphanet 284139, MedGen CN034159, MONDO:0009511, OMIM 245600.

Allele frequency attached by ClinVar (database versions not stated): TOPMed below 0.00001; ExAC 0.00001; gnomAD exomes 0.00001; gnomAD 0.00003.

Submission:

Labcorp Genetics (formerly Invitae), Labcorp
Classification: Uncertain significance for Larsen-like syndrome, B3GAT3 type. Last evaluated: 2021-12-03. Review status: criteria provided, single submitter. Criteria: Invitae Variant Classification Sherloc (09022015). Collection method: clinical testing. Allele origin: germline.
Comment: This sequence change replaces arginine, which is basic and polar, with glutamine, which is neutral and polar, at codon 303 of the B3GAT3 protein (p.Arg303Gln). This variant is present in population databases (rs761742781, gnomAD 0.004%). This variant has not been reported in the literature in individuals affected with B3GAT3-related conditions. Algorithms developed to predict the effect of missense changes on protein structure and function output the following: SIFT: "Tolerated"; PolyPhen-2: "Benign"; Align-GVGD: "Class C0". The glutamine amino acid residue is found in multiple mammalian species, which suggests that this missense change does not adversely affect protein function. Algorithms developed to predict the effect of sequence changes on RNA splicing suggest that this variant may create or strengthen a splice site. In summary, the available evidence is currently insufficient to determine the role of this variant in disease. Therefore, it has been classified as a Variant of Uncertain Significance.

NM_012200.4(B3GAT3):c.908G>A (p.Arg303Gln)

Gene: B3GAT3 (beta-1,3-glucuronyltransferase 3; minus strand). Cytogenetic location: 11q12.3.
Variant type: single nucleotide variant.
Coding change: c.908G>A on transcript NM_012200.4 (MANE Select); coding-DNA position 908, G replaced by A.
Protein change: p.Arg303Gln; replaces arginine 303 with glutamine.
Molecular consequence: missense variant. On other transcripts: non-coding transcript variant (1).
Genome position (GRCh38, 1-based): chr11:62,616,507, C>T on the plus strand (G>A on the coding strand, the complement: B3GAT3 is on the minus strand). VCF-style: chr11-62616507-C-T. GRCh37 (hg19) VCF-style: chr11-62383979-C-T.
Other names: c.887G>A, p.Arg296Gln (NM_001288721.2); c.908G>A, p.Arg303Gln (NM_001288722.2, NM_001288723.2); short protein forms R296Q, R303Q.
Identifiers: ClinVar variation 2188569 (VCV002188569.1), dbSNP rs761742781, ClinGen allele CA6049984.